The following is an entry in ClinVar:

ClinVar aggregate classification (germline): Likely pathogenic. Review status: criteria provided, multiple submitters, no conflicts (2 of 4 stars). 2 submissions from 2 submitters: Likely pathogenic (2). Last evaluated 2022-04-20.

Conditions:
3-methylcrotonyl-CoA carboxylase 1 deficiency (MCC1D). Also called: MCCD TYPE 1; METHYLCROTONYLGLYCINURIA TYPE I; MCC 1 deficiency; 3 Alpha methylcrotonylglycinuria 1. Identifiers: Orphanet 6, MedGen CN028786, MONDO:0008861, OMIM 210200.

Submissions (2):

Fulgent Genetics
Classification: Likely pathogenic for 3-methylcrotonyl-CoA carboxylase 1 deficiency. Last evaluated: 2022-04-20. Review status: criteria provided, single submitter. Criteria: ACMG Guidelines, 2015. Collection method: clinical testing. Allele origin: unknown.

Labcorp Genetics (formerly Invitae), Labcorp
Classification: Likely pathogenic for 3-methylcrotonyl-CoA carboxylase 1 deficiency. Last evaluated: 2019-12-16. Review status: criteria provided, single submitter. Criteria: Invitae Variant Classification Sherloc (09022015). Collection method: clinical testing. Allele origin: germline.
Comment: In summary, the currently available evidence indicates that the variant is pathogenic, but additional data are needed to prove that conclusively. Therefore, this variant has been classified as Likely Pathogenic. This sequence change affects an acceptor splice site in intron 1 of the MCCC1 gene. It is expected to disrupt RNA splicing and likely results in an absent or disrupted protein product. This variant is not present in population databases (ExAC no frequency). This variant has been observed in individual(s) with 3-methylcrotonyl-CoA carboxylase deficiency (Invitae). Algorithms developed to predict the effect of sequence changes on RNA splicing suggest that this variant may disrupt the consensus splice site, but this prediction has not been confirmed by published transcriptional studies. Donor and acceptor splice site variants typically lead to a loss of protein function (PMID: 16199547), and loss-of-function variants in MCCC1 are known to be pathogenic (PMID: 11181649, 15359379, 22642865).

Literature cited by the submitters: PubMed 16199547 (cited by Labcorp Genetics (formerly Invitae), Labcorp); PubMed 11181649 (cited by Labcorp Genetics (formerly Invitae), Labcorp); PubMed 15359379 (cited by Labcorp Genetics (formerly Invitae), Labcorp); PubMed 22642865 (cited by Labcorp Genetics (formerly Invitae), Labcorp).

NM_020166.5(MCCC1):c.90-1G>C

Gene: MCCC1 (methylcrotonyl-CoA carboxylase subunit 1; minus strand). Cytogenetic location: 3q27.1.
Variant type: single nucleotide variant.
Coding change: c.90-1G>C on transcript NM_020166.5 (MANE Select); the canonical splice acceptor site of the intron before coding-DNA position 90, G replaced by C.
Molecular consequence: splice acceptor variant.
Genome position (GRCh38, 1-based): chr3:183,094,606, C>G on the plus strand (G>C on the coding strand, the complement: MCCC1 is on the minus strand). VCF-style: chr3-183094606-C-G. GRCh37 (hg19) VCF-style: chr3-182812394-C-G.
Other names: c.-101-1G>C (NM_001363880.1); c.-3-1G>C (NM_001293273.2).
Identifiers: ClinVar variation 857683 (VCV000857683.12), dbSNP rs1718608300, ClinGen allele CA355322850.